The following is an entry in ClinVar:

NM_001379286.1(ZNF423):c.2453A>G (p.Lys818Arg)

Gene: ZNF423 (zinc finger protein 423; minus strand). Cytogenetic location: 16q12.1.
Variant type: single nucleotide variant.
Coding change: c.2453A>G on transcript NM_001379286.1 (MANE Select); coding-DNA position 2453, A replaced by G.
Protein change: p.Lys818Arg; replaces lysine 818 with arginine.
Molecular consequence: missense variant.
Genome position (GRCh38, 1-based): chr16:49,636,723, T>C on the plus strand (A>G on the coding strand, the complement: ZNF423 is on the minus strand). VCF-style: chr16-49636723-T-C. GRCh37 (hg19) VCF-style: chr16-49670634-T-C.
Other names: c.2249A>G, p.Lys750Arg (NM_001271620.2); c.2078A>G, p.Lys693Arg (NM_001330533.2); c.2429A>G, p.Lys810Arg (NM_015069.5); short protein forms K818R, K750R, K810R, K693R.
Identifiers: ClinVar variation 4695348 (VCV004695348.1).

ClinVar aggregate classification (germline): Uncertain significance (1 of 4 stars; one submission).

Conditions:
Nephronophthisis 14 (NPHP14). Identifiers: Orphanet 2318, MedGen C3539071, MONDO:0013916, OMIM 614844.

gnomAD v4.1: 3 of 1,614,082 alleles (0.00019%); highest among the groups gnomAD compares: South Asian, 0.0011%; no homozygotes.

Submission:

Labcorp Genetics (formerly Invitae), Labcorp
Classification: Uncertain significance for Nephronophthisis 14. Last evaluated: 2025-03-16. Review status: criteria provided, single submitter. Criteria: Invitae Variant Classification Sherloc (09022015). Collection method: clinical testing. Allele origin: germline.
Comment: This sequence change replaces lysine, which is basic and polar, with arginine, which is basic and polar, at codon 810 of the ZNF423 protein (p.Lys810Arg). This variant is not present in population databases (gnomAD no frequency). This variant has not been reported in the literature in individuals affected with ZNF423-related conditions. Invitae Evidence Modeling of protein sequence and biophysical properties (such as structural, functional, and spatial information, amino acid conservation, physicochemical variation, residue mobility, and thermodynamic stability) indicates that this missense variant is not expected to disrupt ZNF423 protein function with a negative predictive value of 80%. In summary, the available evidence is currently insufficient to determine the role of this variant in disease. Therefore, it has been classified as a Variant of Uncertain Significance.